The following is an entry in ClinVar:

NM_001148.6(ANK2):c.1994C>A (p.Pro665Gln)

Gene: ANK2 (ankyrin 2; plus strand). Cytogenetic location: 4q26.
Variant type: single nucleotide variant.
Coding change: c.1994C>A on transcript NM_001148.6 (MANE Select); coding-DNA position 1994, C replaced by A.
Protein change: p.Pro665Gln; replaces proline 665 with glutamine.
Molecular consequence: missense variant.
Genome position (GRCh38, 1-based): chr4:113,282,787, C>A. VCF-style: chr4-113282787-C-A. GRCh37 (hg19) VCF-style: chr4-114203943-C-A.
Other names: c.1931C>A, p.Pro644Gln (NM_001127493.3, NM_001354239.2, NM_001354243.2 and 10 more transcripts); c.1994C>A, p.Pro665Gln (NM_001354225.2, NM_001354228.2, NM_001354232.2 and 6 more transcripts); c.2039C>A, p.Pro680Gln (NM_001354230.2, NM_001354231.2, NM_001354237.2 and 5 more transcripts); c.1895C>A, p.Pro632Gln (NM_001354245.2, NM_001354268.2); c.1907C>A, p.Pro636Gln (NM_001354249.2, NM_001354264.2, NM_001354266.2 and 10 more transcripts); c.1832C>A, p.Pro611Gln (NM_001354253.2, NM_001354257.2, NM_001354270.2 and 1 more transcripts); c.1808C>A, p.Pro603Gln (NM_001354260.2, NM_001354271.2, NM_001386151.1); c.1952C>A, p.Pro651Gln (NM_001354261.2, NM_001386147.1, NM_001386160.1); and 8 more; short protein forms P537Q, P570Q, P595Q, P599Q, P603Q, P611Q, P632Q, P636Q.
Identifiers: ClinVar variation 1315724 (VCV001315724.11), dbSNP rs779699159, ClinGen allele CA3050418.

ClinVar aggregate classification (germline): Uncertain significance. Review status: criteria provided, multiple submitters, no conflicts (2 of 4 stars). 4 submissions from 4 submitters: Uncertain significance (4). Last evaluated 2025-12-15.

Conditions:
Cardiac arrhythmia, ankyrin-B-related. Also called: ANKYRIN-B SYNDROME. Identifiers: Orphanet 101016, Orphanet 768, MedGen C1970119, MONDO:0010958, OMIM 600919.
Cardiovascular phenotype. Identifiers: MedGen CN230736.
Long QT syndrome (LQTS). Identifiers: MedGen C0023976, MeSH D008133, MONDO:0002442. Disease mechanism: loss of function. Inheritance: Various modes of inheritance.

Allele frequency attached by ClinVar (database versions not stated): gnomAD exomes 0.00001; TOPMed 0.00001; ExAC 0.00002.
gnomAD v4.1: 6 of 1,613,998 alleles (0.00037%); highest among the groups gnomAD compares: Non-Finnish European, 0.00051%; no homozygotes.

Submissions (4):

Labcorp Genetics (formerly Invitae), Labcorp
Classification: Uncertain significance for Long QT syndrome. Last evaluated: 2025-12-15. Review status: criteria provided, single submitter. Criteria: Invitae Variant Classification Sherloc (09022015). Collection method: clinical testing. Allele origin: germline.
Comment: This sequence change replaces proline, which is neutral and non-polar, with glutamine, which is neutral and polar, at codon 665 of the ANK2 protein (p.Pro665Gln). This variant is present in population databases (rs779699159, gnomAD 0.0009%). This variant has not been reported in the literature in individuals affected with ANK2-related conditions. ClinVar contains an entry for this variant (Variation ID: 1315724). Invitae Evidence Modeling of protein sequence and biophysical properties (such as structural, functional, and spatial information, amino acid conservation, physicochemical variation, residue mobility, and thermodynamic stability) indicates that this missense variant is not expected to disrupt ANK2 protein function with a negative predictive value of 80%. In summary, the available evidence is currently insufficient to determine the role of this variant in disease. Therefore, it has been classified as a Variant of Uncertain Significance.

Ambry Genetics
Classification: Uncertain significance for Cardiovascular phenotype. Last evaluated: 2023-12-07. Review status: criteria provided, single submitter. Criteria: Ambry Variant Classification Scheme 2023. Collection method: clinical testing. Allele origin: germline.
Comment: The p.P665Q variant (also known as c.1994C>A), located in coding exon 18 of the ANK2 gene, results from a C to A substitution at nucleotide position 1994. The proline at codon 665 is replaced by glutamine, an amino acid with similar properties. This amino acid position is conserved. In addition, this alteration is predicted to be deleterious by in silico analysis. Since supporting evidence is limited at this time, the clinical significance of this alteration remains unclear.

Fulgent Genetics
Classification: Uncertain significance for Cardiac arrhythmia, ankyrin-B-related. Last evaluated: 2021-10-11. Review status: criteria provided, single submitter. Criteria: ACMG Guidelines, 2015. Collection method: clinical testing. Allele origin: unknown.

GeneDx
Classification: Uncertain significance. Last evaluated: 2020-10-22. Review status: criteria provided, single submitter. Criteria: GeneDx Variant Classification Process June 2021. Collection method: clinical testing. Allele origin: germline. Affected: yes.
Comment: Has not been previously published as pathogenic or benign to our knowledge; Not observed at a significant frequency in large population cohorts (Lek et al., 2016); In silico analysis supports that this missense variant has a deleterious effect on protein structure/function